The following is an entry in ClinVar:

NM_018062.4(FANCL):c.767C>G (p.Ala256Gly)

Gene: FANCL (FA complementation group L; minus strand). Cytogenetic location: 2p16.1.
Variant type: single nucleotide variant.
Coding change: c.767C>G on transcript NM_018062.4 (MANE Select); coding-DNA position 767, C replaced by G.
Protein change: p.Ala256Gly; replaces alanine 256 with glycine.
Molecular consequence: missense variant.
Genome position (GRCh38, 1-based): chr2:58,163,442, G>C on the plus strand (C>G on the coding strand, the complement: FANCL is on the minus strand). VCF-style: chr2-58163442-G-C. GRCh37 (hg19) VCF-style: chr2-58390577-G-C.
Other names: c.782C>G, p.Ala261Gly (NM_001114636.2); c.812C>G, p.Ala271Gly (NM_001374615.1); c.827C>G, p.Ala276Gly (NM_001410792.1); short protein forms A256G, A261G, A271G, A276G.
Identifiers: ClinVar variation 863913 (VCV000863913.8), dbSNP rs781438290, ClinGen allele CA1670480.

ClinVar aggregate classification (germline): Uncertain significance. Review status: criteria provided, multiple submitters, no conflicts (2 of 4 stars). 2 submissions from 2 submitters: Uncertain significance (2). Last evaluated 2023-08-29.

Conditions:
Fanconi anemia (FA). Also called: Fanconi's anemia. Identifiers: Orphanet 84, MedGen C0015625, MeSH D005199, MONDO:0019391.

Allele frequency attached by ClinVar (database versions not stated): ExAC 0.00001; gnomAD 0.00001.
gnomAD v4.1: 7 of 1,606,878 alleles (0.00044%); highest among the groups gnomAD compares: Middle Eastern, 0.033%; no homozygotes.

Submissions (2):

Blueprint Genetics
Classification: Uncertain significance. Last evaluated: 2023-08-29. Review status: criteria provided, single submitter. Criteria: ACMG Guidelines, 2015. Collection method: clinical testing. Allele origin: germline.

Labcorp Genetics (formerly Invitae), Labcorp
Classification: Uncertain significance for Fanconi anemia. Last evaluated: 2022-07-19. Review status: criteria provided, single submitter. Criteria: Invitae Variant Classification Sherloc (09022015). Collection method: clinical testing. Allele origin: germline.
Comment: This sequence change replaces alanine, which is neutral and non-polar, with glycine, which is neutral and non-polar, at codon 256 of the FANCL protein (p.Ala256Gly). This variant is present in population databases (rs781438290, gnomAD 0.0009%). This variant has not been reported in the literature in individuals affected with FANCL-related conditions. ClinVar contains an entry for this variant (Variation ID: 863913). Algorithms developed to predict the effect of missense changes on protein structure and function are either unavailable or do not agree on the potential impact of this missense change (SIFT: "Tolerated"; PolyPhen-2: "Possibly Damaging"; Align-GVGD: "Class C0"). Algorithms developed to predict the effect of sequence changes on RNA splicing suggest that this variant may create or strengthen a splice site. In summary, the available evidence is currently insufficient to determine the role of this variant in disease. Therefore, it has been classified as a Variant of Uncertain Significance.